The following is an entry in ClinVar:

ClinVar aggregate classification (germline): Uncertain significance (1 of 4 stars; one submission).

Submission:

GeneDx
Classification: Uncertain significance. Last evaluated: 2025-11-06. Review status: criteria provided, single submitter. Criteria: GeneDx Variant Classification Process June 2021. Collection method: clinical testing. Allele origin: germline. Affected: yes.
Comment: Observed in a father and daughter with congenital heart defects as well as in an apparently unaffected member from the same family (PMID: 20656787); In silico analysis supports that this missense variant has a deleterious effect on protein structure/function; Not observed at significant frequency in large population cohorts (gnomAD); This variant is associated with the following publications: (PMID: 20656787, 23834692, 22337856)

NM_002471.4(MYH6):c.688G>C (p.Ala230Pro)

Gene: MYH6 (myosin heavy chain 6; minus strand). Cytogenetic location: 14q11.2.
Variant type: single nucleotide variant.
Coding change: c.688G>C on transcript NM_002471.4 (MANE Select); coding-DNA position 688, G replaced by C.
Protein change: p.Ala230Pro; replaces alanine 230 with proline.
Molecular consequence: missense variant.
Genome position (GRCh38, 1-based): chr14:23,404,343, C>G on the plus strand (G>C on the coding strand, the complement: MYH6 is on the minus strand). VCF-style: chr14-23404343-C-G. GRCh37 (hg19) VCF-style: chr14-23873552-C-G.
Other names: short protein forms A230P.
Identifiers: ClinVar variation 3338807 (VCV003338807.2).